The following is an entry in ClinVar:

ClinVar aggregate classification (germline): Uncertain significance (1 of 4 stars; one submission).

gnomAD v4.1: 1 of 1,614,218 alleles (0.000062%); highest among the groups gnomAD compares: South Asian, 0.0011%; no homozygotes.

Submission:

Labcorp Genetics (formerly Invitae), Labcorp
Classification: Uncertain significance. Last evaluated: 2024-10-07. Review status: criteria provided, single submitter. Criteria: Invitae Variant Classification Sherloc (09022015). Collection method: clinical testing. Allele origin: germline.
Comment: This sequence change replaces proline, which is neutral and non-polar, with serine, which is neutral and polar, at codon 161 of the GZF1 protein (p.Pro161Ser). This variant is present in population databases (no rsID available, gnomAD 0.006%). This variant has not been reported in the literature in individuals affected with GZF1-related conditions. An algorithm developed to predict the effect of missense changes on protein structure and function outputs the following: PolyPhen-2: "Benign". The serine amino acid residue is found in multiple mammalian species, which suggests that this missense change does not adversely affect protein function. Algorithms developed to predict the effect of sequence changes on RNA splicing suggest that this variant may create or strengthen a splice site. In summary, the available evidence is currently insufficient to determine the role of this variant in disease. Therefore, it has been classified as a Variant of Uncertain Significance.

NM_022482.5(GZF1):c.481C>T (p.Pro161Ser)

Gene: GZF1 (GDNF inducible zinc finger protein 1; plus strand). Cytogenetic location: 20p11.21.
Variant type: single nucleotide variant.
Coding change: c.481C>T on transcript NM_022482.5 (MANE Select); coding-DNA position 481, C replaced by T.
Protein change: p.Pro161Ser; replaces proline 161 with serine.
Molecular consequence: missense variant.
Genome position (GRCh38, 1-based): chr20:23,364,864, C>T. VCF-style: chr20-23364864-C-T. GRCh37 (hg19) VCF-style: chr20-23345501-C-T.
Other names: c.481C>T, p.Pro161Ser (NM_001317012.2, NM_001317019.1); short protein forms P161S.
Identifiers: ClinVar variation 3616768 (VCV003616768.2).